The following is an entry in ClinVar:

ClinVar aggregate classification (germline): Uncertain significance. Review status: criteria provided, multiple submitters, no conflicts (2 of 4 stars). 2 submissions from 2 submitters: Uncertain significance (2). Last evaluated 2025-12-06.

Conditions:
Fanconi anemia (FA). Also called: Fanconi's anemia. Identifiers: Orphanet 84, MedGen C0015625, MeSH D005199, MONDO:0019391.

Allele frequency attached by ClinVar (database versions not stated): TOPMed below 0.00001; gnomAD 0.00001.

Submissions (2):

Labcorp Genetics (formerly Invitae), Labcorp
Classification: Uncertain significance for Fanconi anemia. Last evaluated: 2025-12-06. Review status: criteria provided, single submitter. Criteria: Invitae Variant Classification Sherloc (09022015). Collection method: clinical testing. Allele origin: germline.
Comment: This sequence change replaces alanine, which is neutral and non-polar, with threonine, which is neutral and polar, at codon 1216 of the FANCA protein (p.Ala1216Thr). This variant is not present in population databases (gnomAD no frequency). This variant has not been reported in the literature in individuals affected with FANCA-related conditions. ClinVar contains an entry for this variant (Variation ID: 1509635). Invitae Evidence Modeling of protein sequence and biophysical properties (such as structural, functional, and spatial information, amino acid conservation, physicochemical variation, residue mobility, and thermodynamic stability) indicates that this missense variant is not expected to disrupt FANCA protein function with a negative predictive value of 95%. In summary, the available evidence is currently insufficient to determine the role of this variant in disease. Therefore, it has been classified as a Variant of Uncertain Significance.

Quest Diagnostics Nichols Institute San Juan Capistrano
Classification: Uncertain significance. Last evaluated: 2024-03-19. Review status: criteria provided, single submitter. Criteria: Quest Diagnostics criteria. Collection method: clinical testing. Allele origin: unknown.
Comment: The FANCA c.3646G>A (p.Ala1216Thr) variant has not been reported in individuals with FANCA-related conditions in the published literature. The frequency of this variant in the general population, 0.0000066 (1/152140 chromosomes (Genome Aggregation Database)), is uninformative in the assessment of its pathogenicity. Analysis of this variant using bioinformatics tools for the prediction of the effect of amino acid changes on protein structure and function yielded predictions that this variant is benign. Based on the available information, we are unable to determine the clinical significance of this variant.

NM_000135.4(FANCA):c.3646G>A (p.Ala1216Thr)

Gene: FANCA (FA complementation group A; minus strand). Cytogenetic location: 16q24.3.
Variant type: single nucleotide variant.
Coding change: c.3646G>A on transcript NM_000135.4 (MANE Select); coding-DNA position 3646, G replaced by A.
Protein change: p.Ala1216Thr; replaces alanine 1216 with threonine.
Molecular consequence: missense variant.
Genome position (GRCh38, 1-based): chr16:89,742,919, C>T on the plus strand (G>A on the coding strand, the complement: FANCA is on the minus strand). VCF-style: chr16-89742919-C-T. GRCh37 (hg19) VCF-style: chr16-89809327-C-T.
Other names: c.3646G>A (NM_000135.3); c.3646G>A, p.Ala1216Thr (NM_001286167.3); short protein forms A1216T.
Identifiers: ClinVar variation 1509635 (VCV001509635.8), dbSNP rs1262639465, ClinGen allele CA397485518.